The following is an entry in ClinVar:

NM_001005361.3(DNM2):c.1124T>C (p.Val375Ala)

Gene: DNM2 (dynamin 2; plus strand). Cytogenetic location: 19p13.2.
Variant type: single nucleotide variant.
Coding change: c.1124T>C on transcript NM_001005361.3 (MANE Select); coding-DNA position 1124, T replaced by C.
Protein change: p.Val375Ala; replaces valine 375 with alanine.
Molecular consequence: missense variant.
Genome position (GRCh38, 1-based): chr19:10,793,851, T>C. VCF-style: chr19-10793851-T-C. GRCh37 (hg19) VCF-style: chr19-10904527-T-C.
Other names: c.1124T>C, p.Val375Ala (NM_001005360.3, NM_001005362.3, NM_001190716.2 and 1 more transcripts); short protein forms V375A.
Identifiers: ClinVar variation 1363462 (VCV001363462.6), dbSNP rs587783594, ClinGen allele CA404048089.

ClinVar aggregate classification (germline): Uncertain significance (1 of 4 stars; one submission).

Conditions:
Charcot-Marie-Tooth disease dominant intermediate B (CMTDIB). Also called: CHARCOT-MARIE-TOOTH NEUROPATHY, DOMINANT INTERMEDIATE B; Charcot-Marie-Tooth disease dominant intermediate 1; CMT DI1; Charcot-Marie-Tooth disease dominant intermediate I. Identifiers: Orphanet 100044, Orphanet 228179, MedGen C1847902, MONDO:0011674, OMIM 606482.

Submission:

Labcorp Genetics (formerly Invitae), Labcorp
Classification: Uncertain significance for Charcot-Marie-Tooth disease dominant intermediate B. Last evaluated: 2022-10-04. Review status: criteria provided, single submitter. Criteria: Invitae Variant Classification Sherloc (09022015). Collection method: clinical testing. Allele origin: germline.
Comment: In summary, the available evidence is currently insufficient to determine the role of this variant in disease. Therefore, it has been classified as a Variant of Uncertain Significance. Algorithms developed to predict the effect of sequence changes on RNA splicing suggest that this variant may disrupt the consensus splice site. Advanced modeling of protein sequence and biophysical properties (such as structural, functional, and spatial information, amino acid conservation, physicochemical variation, residue mobility, and thermodynamic stability) has been performed at Invitae for this missense variant, however the output from this modeling did not meet the statistical confidence thresholds required to predict the impact of this variant on DNM2 protein function. ClinVar contains an entry for this variant (Variation ID: 1363462). This missense change has been observed in at least one individual who was not affected with DNM2-related conditions (Invitae). This variant has not been reported in the literature in individuals affected with DNM2-related conditions. This variant is not present in population databases (gnomAD no frequency). This sequence change replaces valine, which is neutral and non-polar, with alanine, which is neutral and non-polar, at codon 375 of the DNM2 protein (p.Val375Ala).